The following is an entry in ClinVar:

NM_004523.4(KIF11):c.1402T>G (p.Leu468Val)

Gene: KIF11 (kinesin family member 11; plus strand). Cytogenetic location: 10q23.33.
Variant type: single nucleotide variant.
Coding change: c.1402T>G on transcript NM_004523.4 (MANE Select); coding-DNA position 1402, T replaced by G.
Protein change: p.Leu468Val; replaces leucine 468 with valine.
Molecular consequence: missense variant.
Genome position (GRCh38, 1-based): chr10:92,630,272, T>G. VCF-style: chr10-92630272-T-G. GRCh37 (hg19) VCF-style: chr10-94390029-T-G.
Other names: short protein forms L468V.
Identifiers: ClinVar variation 1004960 (VCV001004960.32), dbSNP rs1844722645, ClinGen allele CA377591801.

ClinVar aggregate classification (germline): Uncertain significance. Review status: criteria provided, multiple submitters, no conflicts (2 of 4 stars). 2 submissions from 2 submitters: Uncertain significance (2). Last evaluated 2022-09-07.

Submissions (2):

Labcorp Genetics (formerly Invitae), Labcorp
Classification: Uncertain significance. Last evaluated: 2022-09-07. Review status: criteria provided, single submitter. Criteria: Invitae Variant Classification Sherloc (09022015). Collection method: clinical testing. Allele origin: germline.
Comment: In summary, the available evidence is currently insufficient to determine the role of this variant in disease. Therefore, it has been classified as a Variant of Uncertain Significance. Algorithms developed to predict the effect of missense changes on protein structure and function (SIFT, PolyPhen-2, Align-GVGD) all suggest that this variant is likely to be disruptive. This sequence change replaces leucine, which is neutral and non-polar, with valine, which is neutral and non-polar, at codon 468 of the KIF11 protein (p.Leu468Val). This variant is not present in population databases (gnomAD no frequency). This missense change has been observed in individual(s) with microcephaly with or without chorioretinopathy, lymphedema, or intellectual disability with 22q11.2 microdeletion syndrome (PMID: 30733662). In at least one individual the variant was observed to be de novo.

CeGaT Center for Human Genetics Tuebingen
Classification: Uncertain significance. Last evaluated: 2022-06-01. Review status: criteria provided, single submitter. Criteria: CeGaT Center For Human Genetics Tuebingen Variant Classification Criteria Version 2. Collection method: clinical testing. Allele origin: germline. Affected: yes. Observed: 1 variant allele.
Comment: KIF11: PM2, PS2:Supporting, BP4

Literature cited by the submitters: PubMed 30733662 (cited by Labcorp Genetics (formerly Invitae), Labcorp).